The following is an entry in ClinVar:

NM_000548.5(TSC2):c.2613C>T (p.Ile871=)

Gene: TSC2 (TSC complex subunit 2; plus strand). Cytogenetic location: 16p13.3.
Variant type: single nucleotide variant.
Coding change: c.2613C>T on transcript NM_000548.5 (MANE Select); coding-DNA position 2613, C replaced by T.
Protein change: p.Ile871=; no amino-acid change (isoleucine 871 retained).
Molecular consequence: synonymous variant.
Genome position (GRCh38, 1-based): chr16:2,075,866, C>T. VCF-style: chr16-2075866-C-T. GRCh37 (hg19) VCF-style: chr16-2125867-C-T.
Other names: c.2613C>T, p.Ile871= (NM_001077183.3, NM_001114382.3, NM_001363528.2 and 3 more transcripts); c.2502C>T, p.Ile834= (NM_001318827.2); c.2466C>T, p.Ile822= (NM_001318829.2); c.2013C>T, p.Ile671= (NM_001318831.2); c.2646C>T, p.Ile882= (NM_001318832.2).
Identifiers: ClinVar variation 536017 (VCV000536017.13), dbSNP rs1555508408, ClinGen allele CA492953497.
Genomic context (GRCh38, chr16:2,075,866, plus strand): 5'-CAGGCTGCCGCACCTCTACAGGAACTTTGCCGCGGAGCAGTATGCCAGTGTGTTCGCCAT[C>T]TCCCTGCCGTACACCAACCCCTCCAAGTGAGTGGTCGCCCCAGGCCCTGTGCCTCCCAGC-3'
Protein context (NP_000539.2, residues 861-881): AAEQYASVFA[Ile871=]SLPYTNPSKF

ClinVar aggregate classification (germline): Benign/Likely benign. Review status: criteria provided, multiple submitters, no conflicts (2 of 4 stars). 5 submissions from 5 submitters: Benign (1); Likely benign (4). Last evaluated 2025-05-20.

Conditions:
Tuberous sclerosis syndrome (TSC). Also called: Tuberous Sclerosis Complex; Tuberous sclerosis. Identifiers: Orphanet 805, MedGen C0041341, MONDO:0001734.
Tuberous sclerosis 2 (TSC2). Identifiers: Orphanet 805, MedGen C1860707, MONDO:0013199, OMIM 613254.
Hereditary cancer-predisposing syndrome. Also called: Neoplastic Syndromes, Hereditary; Tumor predisposition; Hereditary Cancer Syndrome; Hereditary neoplastic syndrome. Identifiers: Orphanet 140162, MedGen C0027672, MeSH D009386, MONDO:0015356.

Allele frequency attached by ClinVar (database versions not stated): gnomAD exomes below 0.00001.
gnomAD v4.1: 1 of 1,613,194 alleles (0.000062%); highest among the groups gnomAD compares: South Asian, 0.0011%; no homozygotes.

Submissions (5):

Myriad Genetics, Inc.
Classification: Benign for Tuberous sclerosis 2. Last evaluated: 2025-05-20. Review status: criteria provided, single submitter. Criteria: Myriad Autosomal Dominant, Autosomal Recessive and X-Linked Classification Criteria (2023). Collection method: clinical testing. Allele origin: unknown.
Comment: This variant is considered benign. This variant is a silent/synonymous amino acid change and it is not expected to impact splicing.

Ambry Genetics
Classification: Likely benign for Hereditary cancer-predisposing syndrome. Last evaluated: 2024-12-08. Review status: criteria provided, single submitter. Criteria: Ambry Variant Classification Scheme 2023. Collection method: clinical testing. Allele origin: germline.

Labcorp Genetics (formerly Invitae), Labcorp
Classification: Likely benign for Tuberous sclerosis 2. Last evaluated: 2024-03-06. Review status: criteria provided, single submitter. Criteria: Invitae Variant Classification Sherloc (09022015). Collection method: clinical testing. Allele origin: germline.

All of Us Research Program, National Institutes of Health
Classification: Likely benign for Tuberous sclerosis syndrome. Last evaluated: 2023-04-10. Review status: criteria provided, single submitter. Criteria: ACMG Guidelines, 2015. Collection method: clinical testing. Allele origin: germline. Inheritance: Autosomal dominant inheritance. Observed: 1 variant allele, 1 heterozygote.
Comment: This study involves interpretation of variants in research participants for the purpose of population health screening. Participant phenotype was not available at the time of variant classification. Additional details can be found in publication PMID: 35346344, PMCID: PMC8962531

Color Diagnostics, LLC DBA Color Health
Classification: Likely benign for Tuberous sclerosis syndrome. Last evaluated: 2022-09-27. Review status: criteria provided, single submitter. Criteria: ACMG Guidelines, 2015. Collection method: clinical testing. Allele origin: germline.